The following is an entry in ClinVar:

NM_000059.4(BRCA2):c.155A>G (p.His52Arg)

Gene: BRCA2 (BRCA2 DNA repair associated; plus strand). Cytogenetic location: 13q13.1.
Variant type: single nucleotide variant.
Coding change: c.155A>G on transcript NM_000059.4 (MANE Select); coding-DNA position 155, A replaced by G.
Protein change: p.His52Arg; replaces histidine 52 with arginine.
Molecular consequence: missense variant.
Genome position (GRCh38, 1-based): chr13:32,319,164, A>G. VCF-style: chr13-32319164-A-G. GRCh37 (hg19) VCF-style: chr13-32893301-A-G.
Other names: short protein forms H52R.
Identifiers: ClinVar variation 489743 (VCV000489743.8), dbSNP rs749827015, ClinGen allele CA6940327.

ClinVar aggregate classification (germline): Uncertain significance. Review status: criteria provided, multiple submitters, no conflicts (2 of 4 stars). 3 submissions from 3 submitters: Uncertain significance (3). Last evaluated 2024-09-08.

Conditions:
Hereditary breast ovarian cancer syndrome. Also called: Breast and ovarian cancer; Hereditary breast and/or ovarian cancer syndrome; Hereditary breast and ovarian cancer; Hereditary breast and ovarian cancer syndrome (HBOC); BRCA1- and BRCA2-Associated Hereditary Breast and Ovarian Cancer; Hereditary breast and ovarian cancer syndrome. Identifiers: Orphanet 145, MedGen C0677776, MeSH D061325, MONDO:0003582. Disease mechanism: loss of function.
Hereditary cancer-predisposing syndrome. Also called: Hereditary Cancer Syndrome; Neoplastic Syndromes, Hereditary; Tumor predisposition; Hereditary neoplastic syndrome. Identifiers: Orphanet 140162, MedGen C0027672, MeSH D009386, MONDO:0015356.

Allele frequency attached by ClinVar (database versions not stated): gnomAD exomes below 0.00001; ExAC 0.00001.
gnomAD v4.1: 2 of 1,614,110 alleles (0.00012%); highest among the groups gnomAD compares: Non-Finnish European, 0.00017%; no homozygotes.

Submissions (3):

Labcorp Genetics (formerly Invitae), Labcorp
Classification: Uncertain significance for Hereditary breast ovarian cancer syndrome. Last evaluated: 2024-09-08. Review status: criteria provided, single submitter. Criteria: Invitae Variant Classification Sherloc (09022015). Collection method: clinical testing. Allele origin: germline.
Comment: This sequence change replaces histidine, which is basic and polar, with arginine, which is basic and polar, at codon 52 of the BRCA2 protein (p.His52Arg). This variant is present in population databases (rs749827015, gnomAD 0.0009%). This variant has not been reported in the literature in individuals affected with BRCA2-related conditions. ClinVar contains an entry for this variant (Variation ID: 489743). Invitae Evidence Modeling of protein sequence and biophysical properties (such as structural, functional, and spatial information, amino acid conservation, physicochemical variation, residue mobility, and thermodynamic stability) indicates that this missense variant is not expected to disrupt BRCA2 protein function with a negative predictive value of 95%. In summary, the available evidence is currently insufficient to determine the role of this variant in disease. Therefore, it has been classified as a Variant of Uncertain Significance.

Ambry Genetics
Classification: Uncertain significance for Hereditary cancer-predisposing syndrome. Last evaluated: 2022-08-08. Review status: criteria provided, single submitter. Criteria: Ambry Variant Classification Scheme 2023. Collection method: clinical testing. Allele origin: germline.
Comment: The p.H52R variant (also known as c.155A>G), located in coding exon 2 of the BRCA2 gene, results from an A to G substitution at nucleotide position 155. The histidine at codon 52 is replaced by arginine, an amino acid with highly similar properties. This amino acid position is poorly conserved in available vertebrate species. In addition, this alteration is predicted to be tolerated by in silico analysis. Since supporting evidence is limited at this time, the clinical significance of this alteration remains unclear.

Color Diagnostics, LLC DBA Color Health
Classification: Uncertain significance for Hereditary cancer-predisposing syndrome. Last evaluated: 2019-04-03. Review status: criteria provided, single submitter. Criteria: ACMG Guidelines, 2015. Collection method: clinical testing. Allele origin: germline.